The following is an entry in ClinVar:

NM_002519.3(NPAT):c.3286C>G (p.Pro1096Ala)

Gene: NPAT (nuclear protein, coactivator of histone transcription; minus strand). Cytogenetic location: 11q22.3.
Variant type: single nucleotide variant.
Coding change: c.3286C>G on transcript NM_002519.3 (MANE Select); coding-DNA position 3286, C replaced by G.
Protein change: p.Pro1096Ala; replaces proline 1096 with alanine.
Molecular consequence: missense variant.
Genome position (GRCh38, 1-based): chr11:108,161,800, G>C on the plus strand (C>G on the coding strand, the complement: NPAT is on the minus strand). VCF-style: chr11-108161800-G-C. GRCh37 (hg19) VCF-style: chr11-108032527-G-C.
Other names: c.3307C>G, p.Pro1103Ala (NM_001321307.1); short protein forms P1096A, P1103A.
Identifiers: ClinVar variation 3222584 (VCV003222584.1), dbSNP rs2496696612, ClinGen allele CA382511138.

ClinVar aggregate classification (germline): Uncertain significance (1 of 4 stars; one submission).

Submission:

Ambry Genetics
Classification: Uncertain significance. Last evaluated: 2023-09-18. Review status: criteria provided, single submitter. Criteria: Ambry Variant Classification Scheme 2023. Collection method: clinical testing. Allele origin: germline.
Comment: The p.P1096A variant (also known as c.3286C>G), located in coding exon 17 of the NPAT gene, results from a C to G substitution at nucleotide position 3286. The proline at codon 1096 is replaced by alanine, an amino acid with highly similar properties. This amino acid position is conserved. In addition, this alteration is predicted to be tolerated by in silico analysis. Since supporting evidence is limited at this time, the clinical significance of this alteration remains unclear.